The following is an entry in ClinVar:

ClinVar aggregate classification (germline): Pathogenic (1 of 4 stars; one submission).

Conditions:
Leber congenital amaurosis 13 (LCA13). Identifiers: MedGen C2675186, MONDO:0012990, OMIM 612712.

Submission:

Labcorp Genetics (formerly Invitae), Labcorp
Classification: Pathogenic for Leber congenital amaurosis 13. Last evaluated: 2022-04-07. Review status: criteria provided, single submitter. Criteria: Invitae Variant Classification Sherloc (09022015). Collection method: clinical testing. Allele origin: germline.
Comment: For these reasons, this variant has been classified as Pathogenic. This variant disrupts a region of the RDH12 protein in which other variant(s) (p.Trp304*) have been determined to be pathogenic (PMID: 20736127, 24625443). This suggests that this is a clinically significant region of the protein, and that variants that disrupt it are likely to be disease-causing. This variant has not been reported in the literature in individuals affected with RDH12-related conditions. This variant is not present in population databases (gnomAD no frequency). This sequence change creates a premature translational stop signal (p.Trp289*) in the RDH12 gene. While this is not anticipated to result in nonsense mediated decay, it is expected to disrupt the last 28 amino acid(s) of the RDH12 protein.

Literature cited by the submitters: PubMed 20736127; PubMed 24625443.

NM_152443.3(RDH12):c.867_884del (p.Trp289_Arg295delinsTer)

Genes: RDH12 (retinol dehydrogenase 12; plus strand), GPHN (gephyrin; plus strand), ZFYVE26 (zinc finger FYVE-type containing 26; minus strand). Cytogenetic location: 14q24.1.
Variant type: Deletion.
Coding change: c.867_884del on transcript NM_152443.3 (MANE Select); coding-DNA positions 867 to 884, 18 bases deleted (GGTGTCTCCAAGGGCCCG).
Protein change: p.Trp289_Arg295delinsTer.
Molecular consequence: nonsense.
Genome position (GRCh38, 1-based): chr14:67,733,764-67,733,781, GGTGTCTCCAAGGGCCCG deleted; deleting any 18 consecutive bases within chr14:67,733,763-67,733,781 gives the same sequence; the c. name uses the placement nearest the transcript's 3' end. VCF-style (leftmost placement, unchanged base first): chr14-67733762-TGGGTGTCTCCAAGGGCCC-T. GRCh37 (hg19) VCF-style: chr14-68200479-TGGGTGTCTCCAAGGGCCC-T.
Identifiers: ClinVar variation 2122502 (VCV002122502.4), dbSNP rs2503871450, ClinGen allele CA2580088575.